The following is an entry in ClinVar:

ClinVar aggregate classification (germline): Conflicting classifications of pathogenicity. Review status: criteria provided, conflicting classifications (1 of 4 stars). 3 submissions from 3 submitters: Likely pathogenic (1); Uncertain significance (2). Last evaluated 2025-11-17.

Conditions:
Mucopolysaccharidosis, MPS-IV-A (MPS4A). Also called: Morquio syndrome A, mild; MORQUIO SYNDROME A; GALACTOSAMINE-6-SULFATASE DEFICIENCY; GALNS DEFICIENCY; MORQUIO A DISEASE; mucopolysaccharidosis type 4A. Identifiers: Orphanet 309297, Orphanet 582, MedGen C0086651, MONDO:0009659, OMIM 253000.

Submissions (3):

Labcorp Genetics (formerly Invitae), Labcorp
Classification: Uncertain significance for Mucopolysaccharidosis, MPS-IV-A. Last evaluated: 2025-11-17. Review status: criteria provided, single submitter. Criteria: Invitae Variant Classification Sherloc (09022015). Collection method: clinical testing. Allele origin: germline.
Comment: This variant, c.388_390del, results in the deletion of 1 amino acid(s) of the GALNS protein (p.Lys130del), but otherwise preserves the integrity of the reading frame. This variant is present in population databases (no rsID available, gnomAD 0.007%). This variant has not been reported in the literature in individuals affected with GALNS-related conditions. ClinVar contains an entry for this variant (Variation ID: 2689109). Experimental studies and prediction algorithms are not available or were not evaluated, and the functional significance of this variant is currently unknown. In summary, the available evidence is currently insufficient to determine the role of this variant in disease. Therefore, it has been classified as a Variant of Uncertain Significance.

GeneDx
Classification: Likely pathogenic. Last evaluated: 2025-03-12. Review status: criteria provided, single submitter. Criteria: GeneDx Variant Classification Process June 2021. Collection method: clinical testing. Allele origin: germline. Affected: yes.
Comment: Not observed at significant frequency in large population cohorts (gnomAD); In-frame deletion of 1 amino acid(s) in a non-repeat region; In silico analysis supports a deleterious effect on protein structure/function; Has not been previously published as pathogenic or benign to our knowledge

Revvity Omics, Revvity
Classification: Uncertain significance for Mucopolysaccharidosis, MPS-IV-A. Last evaluated: 2023-06-16. Review status: criteria provided, single submitter. Criteria: ACMG Guidelines, 2015. Collection method: clinical testing. Allele origin: germline.

NM_000512.5(GALNS):c.385AAG[1] (p.Lys130del)

Gene: GALNS (galactosamine (N-acetyl)-6-sulfatase; minus strand). Cytogenetic location: 16q24.3.
Variant type: Microsatellite.
Coding change: c.385AAG[1] on transcript NM_000512.5 (MANE Select); one copy of the 3-base unit AAG starting at c.385; the reference has two copies in a row; one copy, 3 bases deleted; also written c.388_390del.
Protein change: p.Lys130del; deletes lysine 130.
Molecular consequence: inframe deletion. On other transcripts: 5 prime UTR variant (1).
Genome position (GRCh38, 1-based): chr16:88,841,024-88,841,026, CTT deleted on the plus strand (AAG on the coding strand, the reverse complement: GALNS is on the minus strand); deleting any 3 consecutive bases within chr16:88,841,024-88,841,030 gives the same sequence; the position shown is the placement nearest the transcript's 3' end. VCF-style (leftmost placement, unchanged base first): chr16-88841023-CCTT-C. GRCh37 (hg19) VCF-style: chr16-88907431-CCTT-C.
Other names: c.-171AAG[1] (NM_001323543.2); c.403AAG[1], p.Lys136del (NM_001323544.2); c.388_390del (NM_000512.5, NM_000512.4); short protein forms K130del, K136del.
Identifiers: ClinVar variation 2689109 (VCV002689109.4), dbSNP rs1276320689, ClinGen allele CA497078062.